The following is an entry in ClinVar:

NM_024884.3(L2HGDH):c.1210G>C (p.Val404Leu)

Gene: L2HGDH (L-2-hydroxyglutarate dehydrogenase; minus strand). Cytogenetic location: 14q21.3.
Variant type: single nucleotide variant.
Coding change: c.1210G>C on transcript NM_024884.3 (MANE Select); coding-DNA position 1210, G replaced by C.
Protein change: p.Val404Leu; replaces valine 404 with leucine.
Molecular consequence: missense variant.
Genome position (GRCh38, 1-based): chr14:50,247,240, C>G on the plus strand (G>C on the coding strand, the complement: L2HGDH is on the minus strand). VCF-style: chr14-50247240-C-G. GRCh37 (hg19) VCF-style: chr14-50713958-C-G.
Other names: short protein forms V404L.
Identifiers: ClinVar variation 1348688 (VCV001348688.8), dbSNP rs2139922904, ClinGen allele CA389647548.

ClinVar aggregate classification (germline): Uncertain significance (1 of 4 stars; one submission).

Conditions:
L-2-hydroxyglutaric aciduria (L2HGA). Identifiers: Orphanet 79314, MedGen C1855995, MONDO:0009370, OMIM 236792, HP:0040144.

Submission:

Labcorp Genetics (formerly Invitae), Labcorp
Classification: Uncertain significance for L-2-hydroxyglutaric aciduria. Last evaluated: 2022-01-11. Review status: criteria provided, single submitter. Criteria: Invitae Variant Classification Sherloc (09022015). Collection method: clinical testing. Allele origin: germline.
Comment: In summary, the available evidence is currently insufficient to determine the role of this variant in disease. Therefore, it has been classified as a Variant of Uncertain Significance. Algorithms developed to predict the effect of missense changes on protein structure and function are either unavailable or do not agree on the potential impact of this missense change (SIFT: "Tolerated"; PolyPhen-2: "Probably Damaging"; Align-GVGD: "Class C0"). This variant has not been reported in the literature in individuals affected with L2HGDH-related conditions. This variant is not present in population databases (gnomAD no frequency). This sequence change replaces valine, which is neutral and non-polar, with leucine, which is neutral and non-polar, at codon 404 of the L2HGDH protein (p.Val404Leu).